The following is an entry in ClinVar:

ClinVar aggregate classification (germline): Uncertain significance. Review status: criteria provided, multiple submitters, no conflicts (2 of 4 stars). 3 submissions from 3 submitters: Uncertain significance (3). Last evaluated 2025-06-10.

Conditions:
Familial thoracic aortic aneurysm and aortic dissection (TAAD). Also called: Thoracic aortic aneurysms and dissections. Identifiers: Orphanet 91387, MedGen C4707243, MONDO:0019625.
Aortic aneurysm, familial thoracic 6 (AAT6). Also called: FAMILIAL THORACIC AORTIC ANEURYSM WITH LIVEDO RETICULARIS AND IRIS FLOCCULI. Identifiers: MedGen C2673186, MONDO:0012730, OMIM 611788.
Multisystemic smooth muscle dysfunction syndrome (SMDYS). Also called: SMOOTH MUSCLE DYSFUNCTION SYNDROME; MYDRIASIS, CONGENITAL, WITH PATENT DUCTUS ARTERIOSUS, THORACIC AORTIC ANEURYSM, AND VASCULOPATHY. Identifiers: Orphanet 404463, MedGen C3151201, MONDO:0013452, OMIM 613834.

Allele frequency attached by ClinVar (database versions not stated): gnomAD exomes below 0.00001; TOPMed below 0.00001; gnomAD 0.00001.
gnomAD v4.1: 5 of 1,613,724 alleles (0.00031%); highest among the groups gnomAD compares: Non-Finnish European, 0.00042%; no homozygotes.

Submissions (3):

Labcorp Genetics (formerly Invitae), Labcorp
Classification: Uncertain significance for Aortic aneurysm, familial thoracic 6. Last evaluated: 2025-06-10. Review status: criteria provided, single submitter. Criteria: Invitae Variant Classification Sherloc (09022015). Collection method: clinical testing. Allele origin: germline.
Comment: This sequence change falls in intron 6 of the ACTA2 gene. It does not directly change the encoded amino acid sequence of the ACTA2 protein. It affects a nucleotide within the consensus splice site. This variant is present in population databases (no rsID available, gnomAD 0.007%). This variant has not been reported in the literature in individuals affected with ACTA2-related conditions. ClinVar contains an entry for this variant (Variation ID: 838562). Variants that disrupt the consensus splice site are a relatively common cause of aberrant splicing (PMID: 17576681, 9536098). Algorithms developed to predict the effect of sequence changes on RNA splicing suggest that this variant is not likely to affect RNA splicing. In summary, the available evidence is currently insufficient to determine the role of this variant in disease. Therefore, it has been classified as a Variant of Uncertain Significance.

Color Diagnostics, LLC DBA Color Health
Classification: Uncertain significance for Familial thoracic aortic aneurysm and aortic dissection. Last evaluated: 2024-11-26. Review status: criteria provided, single submitter. Criteria: ACMG Guidelines, 2015. Collection method: clinical testing. Allele origin: germline.
Comment: This variant causes a G to A nucleotide substitution at the +6 position of intron 6 of the ACTA2 gene. To our knowledge, functional studies have not been reported for this variant. This variant has not been reported in individuals affected with ACTA2-related disorders in the literature. This variant has been identified in 1/31392 chromosomes in the general population by the Genome Aggregation Database (gnomAD). The available evidence is insufficient to determine the role of this variant in disease conclusively. Therefore, this variant is classified as a Variant of Uncertain Significance.

All of Us Research Program, National Institutes of Health
Classification: Uncertain significance for Familial thoracic aortic aneurysm and aortic dissection. Last evaluated: 2023-06-26. Review status: criteria provided, single submitter. Criteria: ACMG Guidelines, 2015. Collection method: clinical testing. Allele origin: germline. Inheritance: Autosomal dominant inheritance. Observed: 2 variant alleles, 2 heterozygotes.
Comment: This variant causes a G to A nucleotide substitution at the +6 position of intron 6 of the ACTA2 gene. To our knowledge, functional studies have not been reported for this variant. This variant has not been reported in individuals affected with ACTA2-related disorders in the literature. This variant has been identified in 1/31392 chromosomes in the general population by the Genome Aggregation Database (gnomAD). The available evidence is insufficient to determine the role of this variant in disease conclusively. Therefore, this variant is classified as a Variant of Uncertain Significance.

This study involves interpretation of variants in research participants for the purpose of population health screening. Participant phenotype was not available at the time of variant classification. Additional details can be found in publication PMID: 35346344, PMCID: PMC8962531

Literature cited by the submitters: PubMed 17576681 (cited by Labcorp Genetics (formerly Invitae), Labcorp); PubMed 9536098 (cited by Labcorp Genetics (formerly Invitae), Labcorp).

NM_001613.4(ACTA2):c.616+6G>A

Gene: ACTA2 (actin alpha 2, smooth muscle; minus strand). Cytogenetic location: 10q23.31.
Variant type: single nucleotide variant.
Coding change: c.616+6G>A on transcript NM_001613.4 (MANE Select); 6 bases into the intron after coding-DNA position 616, G replaced by A.
Molecular consequence: intron variant.
Genome position (GRCh38, 1-based): chr10:88,941,223, C>T on the plus strand (G>A on the coding strand, the complement: ACTA2 is on the minus strand). VCF-style: chr10-88941223-C-T. GRCh37 (hg19) VCF-style: chr10-90700980-C-T.
Other names: c.487+6G>A (NM_001406467.1, NM_001406468.1, NM_001406469.1); c.616+6G>A (NM_001320855.2, NM_001406462.1, NM_001406471.1 and 3 more transcripts); c.505+6G>A (NM_001406466.1).
Identifiers: ClinVar variation 838562 (VCV000838562.18), dbSNP rs1270669606, ClinGen allele CA594940079.